The following is an entry in ClinVar:

ClinVar aggregate classification (germline): Uncertain significance (1 of 4 stars; one submission).

Conditions:
Neuromuscular disease caused by qualitative or quantitative defects of dysferlin. Also called: Qualitative or quantitative defects of dysferlin; Dysferlinopathy. Identifiers: Orphanet 207073, MedGen C2931687, MONDO:0016145.

Submission:

Labcorp Genetics (formerly Invitae), Labcorp
Classification: Uncertain significance for Neuromuscular disease caused by qualitative or quantitative defects of dysferlin. Last evaluated: 2022-08-21. Review status: criteria provided, single submitter. Criteria: Invitae Variant Classification Sherloc (09022015). Collection method: clinical testing. Allele origin: germline.
Comment: This sequence change replaces phenylalanine, which is neutral and non-polar, with serine, which is neutral and polar, at codon 1790 of the DYSF protein (p.Phe1790Ser). This variant is not present in population databases (gnomAD no frequency). This variant has not been reported in the literature in individuals affected with DYSF-related conditions. Advanced modeling of protein sequence and biophysical properties (such as structural, functional, and spatial information, amino acid conservation, physicochemical variation, residue mobility, and thermodynamic stability) performed at Invitae indicates that this missense variant is expected to disrupt DYSF protein function. In summary, the available evidence is currently insufficient to determine the role of this variant in disease. Therefore, it has been classified as a Variant of Uncertain Significance.

NM_001130987.2(DYSF):c.5486T>C (p.Phe1829Ser)

Gene: DYSF (dysferlin; plus strand). Cytogenetic location: 2p13.2.
Variant type: single nucleotide variant.
Coding change: c.5486T>C on transcript NM_001130987.2 (MANE Select); coding-DNA position 5486, T replaced by C.
Protein change: p.Phe1829Ser; replaces phenylalanine 1829 with serine.
Molecular consequence: missense variant.
Genome position (GRCh38, 1-based): chr2:71,668,782, T>C. VCF-style: chr2-71668782-T-C. GRCh37 (hg19) VCF-style: chr2-71895912-T-C.
Other names: c.5390T>C, p.Phe1797Ser (NM_001130977.2); c.5432T>C, p.Phe1811Ser (NM_001130978.2); c.5462T>C, p.Phe1821Ser (NM_001130979.2); c.5420T>C, p.Phe1807Ser (NM_001130980.2); c.5372T>C, p.Phe1791Ser (NM_001130455.2); c.5327T>C, p.Phe1776Ser (NM_001130976.2); c.5483T>C, p.Phe1828Ser (NM_001130981.2); c.5465T>C, p.Phe1822Ser (NM_001130982.2); and 5 more; short protein forms F1776S, F1777S, F1790S, F1791S, F1797S, F1798S, F1807S, F1808S.
Identifiers: ClinVar variation 1717415 (VCV001717415.3), dbSNP rs2546571025, ClinGen allele CA347221782.
Genomic context (GRCh38, chr2:71,668,782, plus strand): 5'-GGGTGGGGAGAGAACGGACCCTGTCTCCGCAGGGGAAGCTGCAGATGTGGGTCGACCTAT[T>C]TCCGAAGGCCCTGGGGCGGCCTGGACCTCCCTTCAACATCACCCCACGGAGAGCCAGAAG-3'
Protein context (NP_001124459.1, residues 1819-1839): QGKLQMWVDL[Phe1829Ser]PKALGRPGPP